The following is an entry in ClinVar:

NM_001008537.3(NEXMIF):c.427A>C (p.Ser143Arg)

Gene: NEXMIF (neurite extension and migration factor; minus strand). Cytogenetic location: Xq13.3.
Variant type: single nucleotide variant.
Coding change: c.427A>C on transcript NM_001008537.3 (MANE Select); coding-DNA position 427, A replaced by C.
Protein change: p.Ser143Arg; replaces serine 143 with arginine.
Molecular consequence: missense variant.
Genome position (GRCh38, 1-based): chrX:74,744,130, T>G on the plus strand (A>C on the coding strand, the complement: NEXMIF is on the minus strand). VCF-style: chrX-74744130-T-G. GRCh37 (hg19) VCF-style: chrX-73963965-T-G.
Other names: short protein forms S143R.
Identifiers: ClinVar variation 2755468 (VCV002755468.3), dbSNP rs1401136033, ClinGen allele CA413673411.
Genomic context (GRCh38, chrX:74,744,130, plus strand): 5'-TCCCTGGCTCAGGATCTACTGCATCCTTGGATTCCATGAAGCAGCCTAAGCAAGTCCGAC[T>G]TGGCTGCATGAGACAGTCCCCATTCAGAGCTGACATGCCTGCAGGCTCCATTATGGCAAA-3'
Protein context (NP_001008537.1, residues 133-153): ALNGDCLMQP[Ser143Arg]RTCLGCFMES

ClinVar aggregate classification (germline): Uncertain significance (1 of 4 stars; one submission).

Submission:

Labcorp Genetics (formerly Invitae), Labcorp
Classification: Uncertain significance. Last evaluated: 2023-08-27. Review status: criteria provided, single submitter. Criteria: Invitae Variant Classification Sherloc (09022015). Collection method: clinical testing. Allele origin: germline.
Comment: This sequence change replaces serine, which is neutral and polar, with arginine, which is basic and polar, at codon 143 of the NEXMIF protein (p.Ser143Arg). This variant is not present in population databases (gnomAD no frequency). In summary, the available evidence is currently insufficient to determine the role of this variant in disease. Therefore, it has been classified as a Variant of Uncertain Significance. An algorithm developed to predict the effect of missense changes on protein structure and function (PolyPhen-2) suggests that this variant is likely to be disruptive. This variant has not been reported in the literature in individuals affected with NEXMIF-related conditions.